The following is an entry in ClinVar:

NM_003482.4(KMT2D):c.13605C>T (p.Ser4535=)

Gene: KMT2D (lysine methyltransferase 2D; minus strand). Cytogenetic location: 12q13.12.
Variant type: single nucleotide variant.
Coding change: c.13605C>T on transcript NM_003482.4 (MANE Select); coding-DNA position 13605, C replaced by T.
Protein change: p.Ser4535=; no amino-acid change (serine 4535 retained).
Molecular consequence: synonymous variant.
Genome position (GRCh38, 1-based): chr12:49,030,959, G>A on the plus strand (C>T on the coding strand, the complement: KMT2D is on the minus strand). VCF-style: chr12-49030959-G-A. GRCh37 (hg19) VCF-style: chr12-49424742-G-A.
Identifiers: ClinVar variation 2174949 (VCV002174949.6), dbSNP rs948889443, ClinGen allele CA236638129.

ClinVar aggregate classification (germline): Likely benign. Review status: criteria provided, single submitter (1 of 4 stars). 2 submissions from 2 submitters: Likely benign (1). 1 of the submissions does not count toward it. Last evaluated 2025-06-03.

Conditions:
KMT2D-related disorder. Also called: KMT2D-Related Disorders.
Kabuki syndrome. Also called: NIIKAWA-KUROKI SYNDROME; Kabuki make-up syndrome. Identifiers: Orphanet 2322, MedGen C0796004, MONDO:0016512.

Allele frequency attached by ClinVar (database versions not stated): gnomAD exomes 0.00001; TOPMed 0.00001.
gnomAD v4.1: 7 of 1,613,918 alleles (0.00043%); highest among the groups gnomAD compares: Non-Finnish European, 0.00059%; no homozygotes.

Submissions (2):

Labcorp Genetics (formerly Invitae), Labcorp
Classification: Likely benign for Kabuki syndrome. Last evaluated: 2025-06-03. Review status: criteria provided, single submitter. Criteria: Invitae Variant Classification Sherloc (09022015). Collection method: clinical testing. Allele origin: germline.

PreventionGenetics, part of Exact Sciences
Classification: Likely benign for KMT2D-related condition. Last evaluated: 2022-04-11. Review status: no assertion criteria provided. Collection method: clinical testing. Allele origin: germline. Not counted in ClinVar's aggregate classification.
Comment: This variant is classified as likely benign based on ACMG/AMP sequence variant interpretation guidelines (Richards et al. 2015 PMID: 25741868, with internal and published modifications).